The following is an entry in ClinVar:

ClinVar aggregate classification (germline): Uncertain significance (1 of 4 stars; one submission).

Conditions:
Retinoblastoma (RB1). Also called: RETINOBLASTOMA, SOMATIC. Identifiers: Orphanet 790, MedGen C0035335, MeSH D012175, MONDO:0008380, OMIM 180200, HP:0009919. Disease mechanism: loss of function. Inheritance: Both sporadic and heritable forms are tested..

Submission:

Labcorp Genetics (formerly Invitae), Labcorp
Classification: Uncertain significance for Retinoblastoma. Last evaluated: 2024-10-16. Review status: criteria provided, single submitter. Criteria: Invitae Variant Classification Sherloc (09022015). Collection method: clinical testing. Allele origin: germline.
Comment: This variant occurs in a non-coding region of the RB1 gene. It does not change the encoded amino acid sequence of the RB1 protein. This variant is not present in population databases (gnomAD no frequency). This variant has not been reported in the literature in individuals affected with RB1-related conditions. In summary, the available evidence is currently insufficient to determine the role of this variant in disease. Therefore, it has been classified as a Variant of Uncertain Significance.

NM_000321.3(RB1):c.-159T>C

Gene: RB1 (RB transcriptional corepressor 1; plus strand). Cytogenetic location: 13q14.2.
Variant type: single nucleotide variant.
Coding change: c.-159T>C on transcript NM_000321.3 (MANE Select); 159 bases upstream of the start codon, T replaced by C.
Molecular consequence: 5 prime UTR variant.
Genome position (GRCh38, 1-based): chr13:48,303,754, T>C. VCF-style: chr13-48303754-T-C. GRCh37 (hg19) VCF-style: chr13-48877890-T-C.
Other names: c.-159T>C (NM_001407165.1, NM_001407166.1, NM_001407167.1).
Identifiers: ClinVar variation 3632428 (VCV003632428.2).